The following is an entry in ClinVar:

ClinVar aggregate classification (germline): Uncertain significance (1 of 4 stars; one submission).

Submission:

GeneDx
Classification: Uncertain significance. Last evaluated: 2024-05-03. Review status: criteria provided, single submitter. Criteria: GeneDx Variant Classification Process June 2021. Collection method: clinical testing. Allele origin: germline. Affected: yes.
Comment: Not observed at significant frequency in large population cohorts (gnomAD); In silico analysis indicates that this missense variant does not alter protein structure/function; Has not been previously published as pathogenic or benign to our knowledge; This variant is associated with the following publications: (PMID: 25817015)

NM_001605.3(AARS1):c.2416G>A (p.Val806Ile)

Gene: AARS1 (alanyl-tRNA synthetase 1; minus strand). Cytogenetic location: 16q22.1.
Variant type: single nucleotide variant.
Coding change: c.2416G>A on transcript NM_001605.3 (MANE Select); coding-DNA position 2416, G replaced by A.
Protein change: p.Val806Ile; replaces valine 806 with isoleucine.
Molecular consequence: missense variant.
Genome position (GRCh38, 1-based): chr16:70,254,023, C>T on the plus strand (G>A on the coding strand, the complement: AARS1 is on the minus strand). VCF-style: chr16-70254023-C-T. GRCh37 (hg19) VCF-style: chr16-70287926-C-T.
Other names: short protein forms V806I.
Identifiers: ClinVar variation 3373371 (VCV003373371.1).
Genomic context (GRCh38, chr16:70,254,023, plus strand): 5'-TGACCTTCTTTAGGGATTTGAGAGTCTCCCGCAATTCATCCTTCTGCCACTGGGGGATGA[C>T]TGCAGTGGCCAGGGCCTGGAACCAATAGACGACCATCTCAATCTGGGCCACAACTTGCTG-3'
Protein context (NP_001596.2, residues 796-816): ADLGEALATA[Val806Ile]IPQWQKDELR